The following is an entry in ClinVar:

ClinVar aggregate classification (germline): Benign. Review status: criteria provided, multiple submitters, no conflicts (2 of 4 stars). 2 submissions from 2 submitters: Benign (2). Last evaluated 2018-06-14.

Allele frequency attached by ClinVar (database versions not stated): gnomAD exomes 0.02983; 1000 Genomes Project 0.03175; 1000 Genomes Project 30x 0.03435; TOPMed 0.04399; gnomAD 0.04486 and 0.04699.

Submissions (2):

GeneDx
Classification: Benign. Last evaluated: 2018-06-14. Review status: criteria provided, single submitter. Criteria: GeneDx Variant Classification (06012015). Collection method: clinical testing. Allele origin: germline. Affected: yes.
Comment: This variant is considered likely benign or benign based on one or more of the following criteria: it is a conservative change, it occurs at a poorly conserved position in the protein, it is predicted to be benign by multiple in silico algorithms, and/or has population frequency not consistent with disease.

Breakthrough Genomics
Classification: Benign. Review status: criteria provided, single submitter. Criteria: ACMG Guidelines, 2015. Collection method: not provided. Allele origin: germline. Inheritance: Autosomal recessive inheritance. Affected: yes.

NM_021100.5(NFS1):c.207+88T>A

Gene: NFS1 (NFS1 cysteine desulfurase; minus strand). Cytogenetic location: 20q11.22.
Variant type: single nucleotide variant.
Coding change: c.207+88T>A on transcript NM_021100.5 (MANE Select); 88 bases into the intron after coding-DNA position 207, T replaced by A.
Molecular consequence: intron variant.
Genome position (GRCh38, 1-based): chr20:35,698,393, A>T on the plus strand (T>A on the coding strand, the complement: NFS1 is on the minus strand). VCF-style: chr20-35698393-A-T. GRCh37 (hg19) VCF-style: chr20-34286315-A-T.
Other names: c.207+88T>A (NM_001198989.2).
Identifiers: ClinVar variation 676238 (VCV000676238.2), dbSNP rs7273637, ClinGen allele CA314153275.